The following is an entry in ClinVar:

NM_000138.5(FBN1):c.5549G>T (p.Arg1850Leu)

Gene: FBN1 (fibrillin 1; minus strand). Cytogenetic location: 15q21.1.
Variant type: single nucleotide variant.
Coding change: c.5549G>T on transcript NM_000138.5 (MANE Select); coding-DNA position 5549, G replaced by T.
Protein change: p.Arg1850Leu; replaces arginine 1850 with leucine.
Molecular consequence: missense variant.
Genome position (GRCh38, 1-based): chr15:48,448,890, C>A on the plus strand (G>T on the coding strand, the complement: FBN1 is on the minus strand). VCF-style: chr15-48448890-C-A. GRCh37 (hg19) VCF-style: chr15-48741087-C-A.
Other names: c.5549G>T, p.Arg1850Leu (NM_001406716.1); short protein forms R1850L.
Identifiers: ClinVar variation 3071548 (VCV003071548.1), dbSNP rs779174265, ClinGen allele CA392342598.

ClinVar aggregate classification (germline): Uncertain significance (1 of 4 stars; one submission).

Conditions:
Marfan syndrome (MFS). Also called: MARFAN SYNDROME, TYPE I; Marfan syndrome type 1; Marfan's syndrome; Marfan syndrome, classic; FBN1-Related Marfan Syndrome. Identifiers: Orphanet 284963, Orphanet 558, MedGen C0024796, MONDO:0007947, OMIM 154700.

Submission:

All of Us Research Program, National Institutes of Health
Classification: Uncertain significance for Marfan syndrome. Last evaluated: 2023-06-08. Review status: criteria provided, single submitter. Criteria: ACMG Guidelines, 2015. Collection method: clinical testing. Allele origin: germline. Inheritance: Autosomal dominant inheritance. Observed: 1 variant allele, 1 heterozygote.
Comment: This missense variant replaces arginine with leucine at codon 1850 of the FBN1 protein. Computational prediction is inconclusive regarding the impact of this variant on protein structure and function (internally defined REVEL score threshold 0.5 < inconclusive < 0.7, PMID: 27666373). To our knowledge, functional studies have not been reported for this variant. This variant has not been reported in individuals affected with FBN1-related disorders in the literature. This variant has not been identified in the general population by the Genome Aggregation Database (gnomAD). The available evidence is insufficient to determine the role of this variant in disease conclusively. Therefore, this variant is classified as a Variant of Uncertain Significance.

This study involves interpretation of variants in research participants for the purpose of population health screening. Participant phenotype was not available at the time of variant classification. Additional details can be found in publication PMID: 35346344, PMCID: PMC8962531